The following is an entry in ClinVar:

ClinVar aggregate classification (germline): Uncertain significance. Review status: reviewed by expert panel (3 of 4 stars). 2 submissions from 2 submitters: Uncertain significance (1). 1 of the submissions does not count toward it. Last evaluated 2026-10-27.

Conditions:
CYP1B1-related glaucoma with or without anterior segment dysgenesis. Identifiers: MedGen CN375931, MONDO:0800472.
Congenital glaucoma. Identifiers: MedGen C0020302, MONDO:0020366.

Submissions (2):

ClinGen Glaucoma Variant Curation Expert Panel
Classification: Uncertain significance for CYP1B1-related glaucoma with or without anterior segment dysgenesis. Last evaluated: 2026-10-27. Review status: reviewed by expert panel. Criteria: ClinGen Glaucoma ACMG Specifications CYP1B1 V2.0. Collection method: curation. Allele origin: germline. Inheritance: Autosomal recessive inheritance.
Comment: The c.783C>G variant in CYP1B1 is a missense variant predicted to cause substitution of Phenylalanine by Leucine at amino acid 261 (p.Phe261Leu). This missense variant is located in the G-helix, meeting PM1_Supporting. This variant was not found in any genetic ancestry group of gnomAD (v4.1), meeting the ≤ 0.0005 threshold set for PM2_Supporting in a genetic ancestry group of at least 2,000 alleles. This missense variant was not predicted to affect splicing, as assessed with SpliceAI (≤ 0.1) and the REVEL score = 0.56, which was neither above nor below the thresholds for PP3 (≥ 0.644) or BP4 (≤ 0.290), predicting a damaging or benign impact on CYP1B1 function. PS3_Supporting was not applied as the assays reported did not meet the OddsPath threshold (> 2.1) (PMID: 27243976) or the threshold for abnormal impact on protein function in the assays could not be determined (PMIDs: 27243976, 19234632). This variant has been identified in an individual in laboratory testing (ClinVar database), however no phenotypic or genotypic information was able to be obtained for PM3 to be assessed. In summary, this variant met the criteria to receive a score of 2 and to be classified as a variant of uncertain significance (uncertain significance classification range -1 to 5, adapted from PMID: 32720330) for CYP1B1-related glaucoma with or without anterior segment dysgenesis (ASD) based on the ACMG/AMP criteria met, as specified by the ClinGen Glaucoma VCEP (v2.0, 16.07.2026): PM1_Supporting, PM2_Supporting.

Labcorp Genetics (formerly Invitae), Labcorp
Classification: Likely pathogenic for Congenital glaucoma. Last evaluated: 2023-09-18. Review status: criteria provided, single submitter. Criteria: Invitae Variant Classification Sherloc (09022015). Collection method: clinical testing. Allele origin: germline. Not counted in ClinVar's aggregate classification.
Comment: In summary, the currently available evidence indicates that the variant is pathogenic, but additional data are needed to prove that conclusively. Therefore, this variant has been classified as Likely Pathogenic. Experimental studies have shown that this missense change affects CYP1B1 function (PMID: 19234632, 27243976). Advanced modeling of protein sequence and biophysical properties (such as structural, functional, and spatial information, amino acid conservation, physicochemical variation, residue mobility, and thermodynamic stability) has been performed at Invitae for this missense variant, however the output from this modeling did not meet the statistical confidence thresholds required to predict the impact of this variant on CYP1B1 protein function. This missense change has been observed in individual(s) with primary congenital glaucoma (PMID: 19234632, 19807744). In at least one individual the data is consistent with being in trans (on the opposite chromosome) from a pathogenic variant. This variant is not present in population databases (gnomAD no frequency). This sequence change replaces phenylalanine, which is neutral and non-polar, with leucine, which is neutral and non-polar, at codon 261 of the CYP1B1 protein (p.Phe261Leu).

Literature cited by the submitters: PubMed 19234632 (cited by Labcorp Genetics (formerly Invitae), Labcorp); PubMed 27243976 (cited by Labcorp Genetics (formerly Invitae), Labcorp); PubMed 19807744 (cited by Labcorp Genetics (formerly Invitae), Labcorp).

NM_000104.4(CYP1B1):c.783C>G (p.Phe261Leu)

Gene: CYP1B1 (cytochrome P450 family 1 subfamily B member 1; minus strand). Cytogenetic location: 2p22.2.
Variant type: single nucleotide variant.
Coding change: c.783C>G on transcript NM_000104.4 (MANE Select); coding-DNA position 783, C replaced by G.
Protein change: p.Phe261Leu; replaces phenylalanine 261 with leucine.
Molecular consequence: missense variant.
Genome position (GRCh38, 1-based): chr2:38,074,606, G>C on the plus strand (C>G on the coding strand, the complement: CYP1B1 is on the minus strand). VCF-style: chr2-38074606-G-C. GRCh37 (hg19) VCF-style: chr2-38301749-G-C.
Other names: NM_000104.4(CYP1B1):c.783C>G; p.Phe261Leu; short protein forms F261L.
Identifiers: ClinVar variation 2895658 (VCV002895658.4), dbSNP rs1558603396, ClinGen allele CA346328522.
Genomic context (GRCh38, chr2:38,074,606, plus strand): 5'-TTCGCAGTGCCTCAAGAACTTGTCCAGGATGAAGTTGCTGAAGTTGCGGTTGAGCTGCTC[G>C]AATTCGCGGAAAACGGTGCGCACCGGGTTGGGGAAGTACTGCAGCCAGGGCATCACGTCC-3'
Protein context (NP_000095.2, residues 251-271): PNPVRTVFRE[Phe261Leu]EQLNRNFSNF